The following is an entry in ClinVar:

NM_001875.5(CPS1):c.4231C>T (p.Pro1411Ser)

Gene: CPS1 (carbamoyl-phosphate synthase 1; plus strand). Cytogenetic location: 2q34.
Variant type: single nucleotide variant.
Coding change: c.4231C>T on transcript NM_001875.5 (MANE Select); coding-DNA position 4231, C replaced by T.
Protein change: p.Pro1411Ser; replaces proline 1411 with serine.
Molecular consequence: missense variant. On other transcripts: non-coding transcript variant (2).
Genome position (GRCh38, 1-based): chr2:210,675,797, C>T. VCF-style: chr2-210675797-C-T. GRCh37 (hg19) VCF-style: chr2-211540521-C-T.
Other names: c.4231C>T, p.Pro1411Ser (NM_001122633.3, NM_001369257.1); c.4264C>T, p.Pro1422Ser (NM_001369256.1); short protein forms P1422S, P1411S.
Identifiers: ClinVar variation 2151495 (VCV002151495.3), dbSNP rs773857876, ClinGen allele CA2087226.
Genomic context (GRCh38, chr2:210,675,797, plus strand): 5'-ACGGAAGCCACATCAGACTGGCTCAACGCCAACAATGTCCCTGCCACCCCAGTGGCATGG[C>T]CGTCTCAAGAAGGACAGAATCCCAGCCTCTCTTCCATCAGAAAGTAAGAACTAGGCATAC-3'
Protein context (NP_001866.2, residues 1401-1421): NNVPATPVAW[Pro1411Ser]SQEGQNPSLS

ClinVar aggregate classification (germline): Uncertain significance. Review status: criteria provided, multiple submitters, no conflicts (2 of 4 stars). 2 submissions from 2 submitters: Uncertain significance (2). Last evaluated 2024-10-24.

Conditions:
CPS1-related disorder. Also called: CPS1-related condition.
Congenital hyperammonemia, type I. Also called: Carbamoyl phosphate synthetase 1 deficiency; Hyperammonemia due to carbamoyl phosphate synthetase 1 deficiency; CPS 1 deficiency; Carbamyl phosphate synthetase (CPS) deficiency; Carbamoyl-phosphate synthase I deficiency; Carbamoyl phosphate synthetase I deficiency disease. Identifiers: Orphanet 147, MedGen C4082171, MONDO:0009376, OMIM 237300.

Allele frequency attached by ClinVar (database versions not stated): gnomAD 0.00001; gnomAD exomes 0.00001; TOPMed 0.00001; ExAC 0.00002.
gnomAD v4.1: 19 of 1,601,106 alleles (0.0012%); highest among the groups gnomAD compares: Non-Finnish European, 0.0015%; no homozygotes.

Submissions (2):

Labcorp Genetics (formerly Invitae), Labcorp
Classification: Uncertain significance for Congenital hyperammonemia, type I. Last evaluated: 2024-10-24. Review status: criteria provided, single submitter. Criteria: Invitae Variant Classification Sherloc (09022015). Collection method: clinical testing. Allele origin: germline.
Comment: This sequence change replaces proline, which is neutral and non-polar, with serine, which is neutral and polar, at codon 1411 of the CPS1 protein (p.Pro1411Ser). This variant is present in population databases (rs773857876, gnomAD 0.003%). This variant has not been reported in the literature in individuals affected with CPS1-related conditions. ClinVar contains an entry for this variant (Variation ID: 2151495). Invitae Evidence Modeling of protein sequence and biophysical properties (such as structural, functional, and spatial information, amino acid conservation, physicochemical variation, residue mobility, and thermodynamic stability) indicates that this missense variant is not expected to disrupt CPS1 protein function with a negative predictive value of 95%. In summary, the available evidence is currently insufficient to determine the role of this variant in disease. Therefore, it has been classified as a Variant of Uncertain Significance.

PreventionGenetics, part of Exact Sciences
Classification: Uncertain significance for CPS1-related condition. Last evaluated: 2023-04-12. Review status: criteria provided, single submitter. Criteria: ACMG Guidelines, 2015. Collection method: clinical testing. Allele origin: germline.
Comment: The CPS1 c.4231C>T variant is predicted to result in the amino acid substitution p.Pro1411Ser. To our knowledge, this variant has not been reported in the literature. This variant is reported in 0.0026% of alleles in individuals of European (Non-Finnish) descent in gnomAD. A different variant affecting the same amino acid (p.Pro1411Leu) was reported to be associated with carbamoyl-phosphate synthetase I deficiency (see example: Table 1, Pekkala. 2010. PubMed ID: 20578160; Human Gene Mutation Database). Although we suspect that this variant may be pathogenic, at this time, the clinical significance of this variant is uncertain due to the absence of conclusive functional and genetic evidence.